The following is an entry in ClinVar:

NM_020762.4(SRGAP1):c.1023+29G>A

Gene: SRGAP1 (SLIT-ROBO Rho GTPase activating protein 1; plus strand). Cytogenetic location: 12q14.2.
Variant type: single nucleotide variant.
Coding change: c.1023+29G>A on transcript NM_020762.4 (MANE Select); 29 bases into the intron after coding-DNA position 1023, G replaced by A.
Molecular consequence: intron variant.
Genome position (GRCh38, 1-based): chr12:64,063,167, G>A. VCF-style: chr12-64063167-G-A. GRCh37 (hg19) VCF-style: chr12-64456947-G-A.
Other names: c.1023+29G>A (NM_001346201.2).
Identifiers: ClinVar variation 2643158 (VCV002643158.24), dbSNP rs11829649, ClinGen allele CA6666525.

ClinVar aggregate classification (germline): Benign (1 of 4 stars; one submission).

Allele frequency attached by ClinVar (database versions not stated): gnomAD exomes 0.00021; ExAC 0.00053; 1000 Genomes Project 30x 0.00109; 1000 Genomes Project 0.00120; gnomAD 0.00187; ESP Exome Variant Server 0.00192; TOPMed 0.00200.
gnomAD v4.1: 584 of 1,552,532 alleles (0.038%); highest among the groups gnomAD compares: African/African-American, 0.62%; 1 homozygote.

Submission:

CeGaT Center for Human Genetics Tuebingen
Classification: Benign. Last evaluated: 2022-03-01. Review status: criteria provided, single submitter. Criteria: CeGaT Center For Human Genetics Tuebingen Variant Classification Criteria Version 2. Collection method: clinical testing. Allele origin: germline. Affected: yes. Observed: 1 variant allele.
Comment: SRGAP1: BS1, BS2